The following is an entry in ClinVar:

ClinVar aggregate classification (germline): Likely benign (1 of 4 stars; one submission).

Conditions:
NUP160-related disorder. Also called: NUP160-related condition.

gnomAD v4.1: 30 of 1,610,556 alleles (0.0019%); highest among the groups gnomAD compares: African/African-American, 0.025%; no homozygotes.

Submission:

PreventionGenetics, part of Exact Sciences
Classification: Likely benign for NUP160-related condition. Last evaluated: 2025-02-17. Review status: criteria provided, single submitter. Criteria: ACMG Guidelines, 2015. Collection method: clinical testing. Allele origin: germline.
Comment: This variant is classified as likely benign based on ACMG/AMP sequence variant interpretation guidelines (Richards et al. 2015 PMID: 25741868, with internal and published modifications).

NM_015231.3(NUP160):c.1047C>T (p.Leu349=)

Gene: NUP160 (nucleoporin 160; minus strand). Cytogenetic location: 11p11.2.
Variant type: single nucleotide variant.
Coding change: c.1047C>T on transcript NM_015231.3 (MANE Select); coding-DNA position 1047, C replaced by T.
Protein change: p.Leu349=; no amino-acid change (leucine 349 retained).
Molecular consequence: synonymous variant. On other transcripts: non-coding transcript variant (1).
Genome position (GRCh38, 1-based): chr11:47,822,117, G>A on the plus strand (C>T on the coding strand, the complement: NUP160 is on the minus strand). VCF-style: chr11-47822117-G-A. GRCh37 (hg19) VCF-style: chr11-47843669-G-A.
Identifiers: ClinVar variation 4977626 (VCV004977626.1).
Genomic context (GRCh38, chr11:47,822,117, plus strand): 5'-ATGTGATATGCAAAGGATGAATCAACCTACCTGAGAAGTGAACAGTGAAGAAATATGATC[G>A]AGACTATAGCGATTACTCTCAGTGCTCACCAACTGGAAAATGCAGAACTGTTAAAACACA-3'
Protein context (NP_056046.2, residues 339-359): LVSTESNRYS[Leu349=]DHISSLFTSQ